The following is an entry in ClinVar:

NM_004304.5(ALK):c.599G>C (p.Arg200Thr)

Gene: ALK (ALK receptor tyrosine kinase; minus strand). Cytogenetic location: 2p23.1.
Variant type: single nucleotide variant.
Coding change: c.599G>C on transcript NM_004304.5 (MANE Select); coding-DNA position 599, G replaced by C.
Protein change: p.Arg200Thr; replaces arginine 200 with threonine.
Molecular consequence: missense variant.
Genome position (GRCh38, 1-based): chr2:29,920,061, C>G on the plus strand (G>C on the coding strand, the complement: ALK is on the minus strand). VCF-style: chr2-29920061-C-G. GRCh37 (hg19) VCF-style: chr2-30142927-C-G.
Other names: short protein forms R200T.
Identifiers: ClinVar variation 1373201 (VCV001373201.6), dbSNP rs978946990, ClinGen allele CA346589717.
Genomic context (GRCh38, chr2:29,920,061, plus strand): 5'-AAGATCTGGAAGAGAAGGCGGGGCTGGGAGGCGCGAATTGCCGCGGACAGCCTTCCCTCT[C>G]TGCCCACTTCCGACGCCTTCTTCTCGGGCATCAGGCGGATCCTCAGTCGCCCTTCGCCTT-3'
Protein context (NP_004295.2, residues 190-210): MPEKKASEVG[Arg200Thr]EGRLSAAIRA

ClinVar aggregate classification (germline): Uncertain significance (1 of 4 stars; one submission).

Conditions:
Neuroblastoma, susceptibility to, 3. Also called: ALK-Related Neuroblastic Tumor Susceptibility. Identifiers: Orphanet 635, MedGen C2751681, MONDO:0013083, OMIM 613014.

Submission:

Labcorp Genetics (formerly Invitae), Labcorp
Classification: Uncertain significance for Neuroblastoma, susceptibility to, 3. Last evaluated: 2021-08-07. Review status: criteria provided, single submitter. Criteria: Invitae Variant Classification Sherloc (09022015). Collection method: clinical testing. Allele origin: germline.
Comment: In summary, the available evidence is currently insufficient to determine the role of this variant in disease. Therefore, it has been classified as a Variant of Uncertain Significance. This variant has not been reported in the literature in individuals affected with ALK-related conditions. Algorithms developed to predict the effect of missense changes on protein structure and function are either unavailable or do not agree on the potential impact of this missense change (SIFT: "Deleterious"; PolyPhen-2: "Possibly Damaging"; Align-GVGD: "Class C0"). This variant is not present in population databases (ExAC no frequency). This sequence change replaces arginine with threonine at codon 200 of the ALK protein (p.Arg200Thr). The arginine residue is moderately conserved and there is a moderate physicochemical difference between arginine and threonine.